The following is an entry in ClinVar:

NM_005334.3(HCFC1):c.4550G>T (p.Arg1517Leu)

Gene: HCFC1 (host cell factor C1; minus strand). Cytogenetic location: Xq28.
Variant type: single nucleotide variant.
Coding change: c.4550G>T on transcript NM_005334.3 (MANE Select); coding-DNA position 4550, G replaced by T.
Protein change: p.Arg1517Leu; replaces arginine 1517 with leucine.
Molecular consequence: missense variant.
Genome position (GRCh38, 1-based): chrX:153,952,906, C>A on the plus strand (G>T on the coding strand, the complement: HCFC1 is on the minus strand). VCF-style: chrX-153952906-C-A. GRCh37 (hg19) VCF-style: chrX-153218357-C-A.
Other names: c.4682G>T, p.Arg1561Leu (NM_001410705.1); short protein forms R1561L, R1517L.
Identifiers: ClinVar variation 2227080 (VCV002227080.2), dbSNP rs782721750, ClinGen allele CA415113400.
Genomic context (GRCh38, chrX:153,952,906, plus strand): 5'-GCTGACAGGACCTCGGCGGACTCCCCCATCAGGGCTGTGGAAGCCGACTGCAGAAGCTGC[C>A]GTGGCGGCAGCTGCTGGCGAGGACCTGGCGACACCTGGAGTTCCTCTGGGGGCTGCAGGA-3'
Protein context (NP_005325.2, residues 1507-1527): SPGPRQQLPP[Arg1517Leu]QLLQSASTAL

ClinVar aggregate classification (germline): Uncertain significance (1 of 4 stars; one submission).

Conditions:
Inborn genetic diseases. Identifiers: MedGen C0950123, MeSH D030342.

Submission:

Ambry Genetics
Classification: Uncertain significance for Inborn genetic diseases. Last evaluated: 2020-05-20. Review status: criteria provided, single submitter. Criteria: Ambry Variant Classification Scheme 2023. Collection method: clinical testing. Allele origin: germline.
Comment: The alteration results in an amino acid change:_x000D_ _x000D_ The c.4550G>T (p.R1517L) alteration is located in coding exon 19 of the HCFC1 gene. This alteration results from a G to T substitution at nucleotide position 4550, causing the arginine (R) at amino acid position 1517 to be replaced by a leucine (L). The alteration is not observed in population databases: _x000D_ _x000D_ Based on data from the Genome Aggregation Database (gnomAD), the HCFC1 c.4550G>T alteration was not observed, with coverage at this position. The altered amino acid is not conserved throughout evolution:_x000D_ _x000D_ The p.R1517 amino acid is not conserved in available vertebrate species. The alteration is predicted tolerated by in silico modeling:_x000D_ _x000D_ The p.R1517L alteration is predicted to be tolerated by in silico analysis. Based on insufficient or conflicting evidence, the clinical significance of this alteration remains unclear.